The following is an entry in ClinVar:

NM_000093.5(COL5A1):c.5349C>T (p.Arg1783=)

Genes: COL5A1 (collagen type V alpha 1 chain; plus strand), LOC101448202 (uncharacterized LOC101448202; minus strand). Cytogenetic location: 9q34.3.
Variant type: single nucleotide variant.
Coding change: c.5349C>T on transcript NM_000093.5 (MANE Select); coding-DNA position 5349, C replaced by T.
Protein change: p.Arg1783=; no amino-acid change (arginine 1783 retained).
Molecular consequence: synonymous variant.
Genome position (GRCh38, 1-based): chr9:134,835,183, C>T. VCF-style: chr9-134835183-C-T. GRCh37 (hg19) VCF-style: chr9-137727029-C-T.
Other names: c.5349C>T, p.Arg1783= (NM_001278074.1).
Identifiers: ClinVar variation 529290 (VCV000529290.20), dbSNP rs140031713, ClinGen allele CA5320695.
Genomic context (GRCh38, chr9:134,835,183, plus strand): 5'-CCTCCGCTTCCTGGGCTCCAACGACGAGGAGATGTCCTATGACAACAACCCCTACATCCG[C>T]GCCCTGGTGGACGGCTGTGCTGTGAGTATCCCGCGCCGCGCCCAGCACCCCTGCTCACGC-3'
Protein context (NP_000084.3, residues 1773-1793): EMSYDNNPYI[Arg1783=]ALVDGCATKK

ClinVar aggregate classification (germline): Benign/Likely benign. Review status: criteria provided, multiple submitters, no conflicts (2 of 4 stars). 6 submissions from 6 submitters: Benign (1); Likely benign (4). 1 of the submissions does not count toward it. Last evaluated 2025-11-24.

Conditions:
COL5A1-related disorder. Also called: COL5A1-related condition.
Ehlers-Danlos syndrome, classic type, 1 (EDSCL1). Also called: EDS I; EHLERS-DANLOS SYNDROME, GRAVIS TYPE; Ehlers-Danlos syndrome, type 1; Ehlers-Danlos Syndrome, Classic Type, COL5A1-Related; EHLERS-DANLOS SYNDROME, SEVERE CLASSIC TYPE. Identifiers: MedGen C0268335, MONDO:0019567, OMIM 130000.
Familial thoracic aortic aneurysm and aortic dissection (TAAD). Also called: Thoracic aortic aneurysms and dissections. Identifiers: Orphanet 91387, MedGen C4707243, MONDO:0019625.

Allele frequency attached by ClinVar (database versions not stated): gnomAD 0.00022 and 0.00018; ESP Exome Variant Server 0.00023; gnomAD exomes 0.00003; ExAC 0.00013; 1000 Genomes Project 30x 0.00016; TOPMed 0.00019; 1000 Genomes Project 0.00020.
gnomAD v4.1: 80 of 1,613,688 alleles (0.005%); highest among the groups gnomAD compares: African/African-American, 0.051%; no homozygotes.

Submissions (6):

Women's Health and Genetics/Laboratory Corporation of America, LabCorp
Classification: Benign. Last evaluated: 2025-11-24. Review status: criteria provided, single submitter. Criteria: LabCorp Variant Classification Summary - May 2015. Collection method: clinical testing. Allele origin: germline.

Labcorp Genetics (formerly Invitae), Labcorp
Classification: Likely benign for Ehlers-Danlos syndrome, classic type, 1. Last evaluated: 2025-08-03. Review status: criteria provided, single submitter. Criteria: Invitae Variant Classification Sherloc (09022015). Collection method: clinical testing. Allele origin: germline.

Blueprint Genetics
Classification: Likely benign. Last evaluated: 2024-11-08. Review status: criteria provided, single submitter. Criteria: ACMG Guidelines, 2015. Collection method: clinical testing. Allele origin: germline.

Ambry Genetics
Classification: Likely benign for Familial thoracic aortic aneurysm and aortic dissection. Last evaluated: 2022-06-14. Review status: criteria provided, single submitter. Criteria: Ambry Variant Classification Scheme 2023. Collection method: clinical testing. Allele origin: germline.

GeneDx
Classification: Likely benign. Last evaluated: 2021-03-09. Review status: criteria provided, single submitter. Criteria: GeneDx Variant Classification Process June 2021. Collection method: clinical testing. Allele origin: germline. Affected: yes.

PreventionGenetics, part of Exact Sciences
Classification: Likely benign for COL5A1-related condition. Last evaluated: 2019-09-11. Review status: no assertion criteria provided. Collection method: clinical testing. Allele origin: germline. Not counted in ClinVar's aggregate classification.
Comment: This variant is classified as likely benign based on ACMG/AMP sequence variant interpretation guidelines (Richards et al. 2015 PMID: 25741868, with internal and published modifications).